The following is an entry in ClinVar:

NM_001289125.3(IFNAR2):c.1136C>T (p.Thr379Met)

Genes: IFNAR2 (interferon alpha and beta receptor subunit 2; plus strand), IFNAR2-IL10RB (IFNAR2-IL10RB readthrough; plus strand). Cytogenetic location: 21q22.11.
Variant type: single nucleotide variant.
Coding change: c.1136C>T on transcript NM_001289125.3 (MANE Select); coding-DNA position 1136, C replaced by T.
Protein change: p.Thr379Met; replaces threonine 379 with methionine.
Molecular consequence: missense variant. On other transcripts: 3 prime UTR variant (5).
Genome position (GRCh38, 1-based): chr21:33,263,088, C>T. VCF-style: chr21-33263088-C-T. GRCh37 (hg19) VCF-style: chr21-34635393-C-T.
Other names: c.*372C>T (NM_000874.5, NM_207584.3); c.*285C>T (NM_001289126.2, NM_001289128.2); c.*511C>T (NM_001385054.1); c.1136C>T, p.Thr379Met (NM_001385055.1, NM_207585.3); c.1136C>T (NM_207585.1, NM_207585.2); short protein forms T379M.
Identifiers: ClinVar variation 1520823 (VCV001520823.10), dbSNP rs780171388, ClinGen allele CA10005923.

ClinVar aggregate classification (germline): Conflicting classifications of pathogenicity. Review status: criteria provided, conflicting classifications (1 of 4 stars). 4 submissions from 4 submitters: Uncertain significance (2); Likely benign (1). 1 of the submissions does not count toward it. Last evaluated 2025-01-27.

Conditions:
IFNAR2-related disorder. Also called: IFNAR2-related condition.

Allele frequency attached by ClinVar (database versions not stated): gnomAD 0.00004 and 0.00006; TOPMed 0.00004; ExAC 0.00007; gnomAD exomes 0.00008 and 0.00010.
gnomAD v4.1: 150 of 1,614,124 alleles (0.0093%); highest among the groups gnomAD compares: Middle Eastern, 0.049%; no homozygotes.

Submissions (4):

Labcorp Genetics (formerly Invitae), Labcorp
Classification: Uncertain significance. Last evaluated: 2025-01-27. Review status: criteria provided, single submitter. Criteria: Invitae Variant Classification Sherloc (09022015). Collection method: clinical testing. Allele origin: germline.
Comment: This sequence change replaces threonine, which is neutral and polar, with methionine, which is neutral and non-polar, at codon 379 of the IFNAR2 protein (p.Thr379Met). This variant is present in population databases (rs780171388, gnomAD 0.02%). This variant has not been reported in the literature in individuals affected with IFNAR2-related conditions. ClinVar contains an entry for this variant (Variation ID: 1520823). An algorithm developed to predict the effect of missense changes on protein structure and function outputs the following: PolyPhen-2: "Benign". The methionine amino acid residue is found in multiple mammalian species, which suggests that this missense change does not adversely affect protein function. In summary, the available evidence is currently insufficient to determine the role of this variant in disease. Therefore, it has been classified as a Variant of Uncertain Significance.

Ambry Genetics
Classification: Likely benign. Last evaluated: 2023-10-14. Review status: criteria provided, single submitter. Criteria: Ambry Variant Classification Scheme 2023. Collection method: clinical testing. Allele origin: germline.

Breakthrough Genomics
Classification: Uncertain significance. Review status: criteria provided, single submitter. Criteria: ACMG Guidelines, 2015. Collection method: not provided. Allele origin: germline. Inheritance: Autosomal dominant inheritance. Affected: yes.

PreventionGenetics, part of Exact Sciences
Classification: Uncertain significance for IFNAR2-related condition. Last evaluated: 2024-08-27. Review status: no assertion criteria provided. Collection method: clinical testing. Allele origin: germline. Not counted in ClinVar's aggregate classification.
Comment: The IFNAR2 c.1136C>T variant is predicted to result in the amino acid substitution p.Thr379Met. To our knowledge, this variant has not been reported in the literature. This variant is reported in 0.018% of alleles in individuals of European (Non-Finnish) descent in gnomAD. At this time, the clinical significance of this variant is uncertain due to the absence of conclusive functional and genetic evidence.